The following is an entry in ClinVar:

ClinVar aggregate classification (germline): Uncertain significance. Review status: criteria provided, multiple submitters, no conflicts (2 of 4 stars). 5 submissions from 5 submitters: Uncertain significance (4). 1 of the submissions does not count toward it. Last evaluated 2025-03-31.

Conditions:
Inborn genetic diseases. Identifiers: MedGen C0950123, MeSH D030342.
Glycogen storage disease type III (GSD3). Also called: FORBES DISEASE; Cori disease. Identifiers: Orphanet 366, MedGen C0017922, MONDO:0009291, OMIM 232400.

Allele frequency attached by ClinVar (database versions not stated): gnomAD exomes below 0.00001; TOPMed below 0.00001.
gnomAD v4.1: 3 of 1,613,442 alleles (0.00019%); highest among the groups gnomAD compares: East Asian, 0.0022%; no homozygotes.

Submissions (5):

Ambry Genetics
Classification: Uncertain significance for Inborn genetic diseases. Last evaluated: 2025-03-31. Review status: criteria provided, single submitter. Criteria: Ambry Variant Classification Scheme 2023. Collection method: clinical testing. Allele origin: germline.

Labcorp Genetics (formerly Invitae), Labcorp
Classification: Uncertain significance for Glycogen storage disease type III. Last evaluated: 2022-07-30. Review status: criteria provided, single submitter. Criteria: Invitae Variant Classification Sherloc (09022015). Collection method: clinical testing. Allele origin: germline.
Comment: This sequence change replaces histidine, which is basic and polar, with glutamine, which is neutral and polar, at codon 1309 of the AGL protein (p.His1309Gln). This variant is present in population databases (no rsID available, gnomAD 0.006%). This variant has not been reported in the literature in individuals affected with AGL-related conditions. ClinVar contains an entry for this variant (Variation ID: 968128). Algorithms developed to predict the effect of missense changes on protein structure and function (SIFT, PolyPhen-2, Align-GVGD) all suggest that this variant is likely to be tolerated. Algorithms developed to predict the effect of sequence changes on RNA splicing suggest that this variant may create or strengthen a splice site. In summary, the available evidence is currently insufficient to determine the role of this variant in disease. Therefore, it has been classified as a Variant of Uncertain Significance.

Genome-Nilou Lab
Classification: Uncertain significance for Glycogen storage disease type III. Last evaluated: 2021-07-15. Review status: criteria provided, single submitter. Criteria: ACMG Guidelines, 2015. Collection method: clinical testing. Allele origin: germline. Affected: no.

Mayo Clinic Laboratories, Mayo Clinic
Classification: Uncertain significance. Last evaluated: 2020-06-25. Review status: criteria provided, single submitter. Criteria: ACMG Guidelines, 2015. Collection method: clinical testing. Allele origin: germline. Observed: 1 variant allele.

Natera, Inc.
Classification: Uncertain significance for Glycogen storage disease type III. Last evaluated: 2020-01-24. Review status: no assertion criteria provided. Collection method: clinical testing. Allele origin: germline. Not counted in ClinVar's aggregate classification.

NM_000642.3(AGL):c.3927T>A (p.His1309Gln)

Gene: AGL (amylo-alpha-1,6-glucosidase and 4-alpha-glucanotransferase; plus strand). Cytogenetic location: 1p21.2.
Variant type: single nucleotide variant.
Coding change: c.3927T>A on transcript NM_000642.3 (MANE Select); coding-DNA position 3927, T replaced by A.
Protein change: p.His1309Gln; replaces histidine 1309 with glutamine.
Molecular consequence: missense variant.
Genome position (GRCh38, 1-based): chr1:99,912,495, T>A. VCF-style: chr1-99912495-T-A. GRCh37 (hg19) VCF-style: chr1-100378051-T-A.
Other names: c.3927T>A, p.His1309Gln (NM_000028.3, NM_000643.3, NM_000644.3 and 1 more transcripts); c.3879T>A, p.His1293Gln (NM_000646.3); c.3906T>A, p.His1302Gln (NM_001425326.1); c.3726T>A, p.His1242Gln (NM_001425327.1); c.3723T>A, p.His1241Gln (NM_001425328.1); c.3588T>A, p.His1196Gln (NM_001425329.1); c.3549T>A, p.His1183Gln (NM_001425332.1); short protein forms H1293Q, H1309Q, H1183Q, H1196Q, H1241Q, H1242Q, H1302Q.
Identifiers: ClinVar variation 968128 (VCV000968128.17), dbSNP rs1200885928, ClinGen allele CA341339024.